The following is an entry in ClinVar:

ClinVar aggregate classification (germline): Benign (1 of 4 stars; one submission).

Conditions:
Posterior polymorphous corneal dystrophy. Also called: CORNEAL DYSTROPHY, HEREDITARY POLYMORPHOUS POSTERIOR; Polymorphous corneal dystrophy. Identifiers: Orphanet 98973, MedGen C0339284, MONDO:0020364, HP:0007915.

Allele frequency attached by ClinVar (database versions not stated): 1000 Genomes Project 30x 0.00031; 1000 Genomes Project 0.00040; gnomAD 0.00178; TOPMed 0.00235.
gnomAD v4.1: 1,789 of 698,840 alleles (0.26%); highest among the groups gnomAD compares: Non-Finnish European, 0.36%; 6 homozygotes.

Submission:

Illumina Laboratory Services, Illumina
Classification: Benign for Polymorphous corneal dystrophy. Last evaluated: 2018-01-12. Review status: criteria provided, single submitter. Criteria: ICSL Variant Classification Criteria 13 December 2019. Collection method: clinical testing. Allele origin: germline.
Comment: This variant was observed in the ICSL laboratory as part of a predisposition screen in an ostensibly healthy population. It had not been previously curated by ICSL or reported in the Human Gene Mutation Database (HGMD: prior to June 1st, 2018), and was therefore a candidate for classification through an automated scoring system. Utilizing variant allele frequency, disease prevalence and penetrance estimates, and inheritance mode, an automated score was calculated to assess if this variant is too frequent to cause the disease. Based on the score and internal cut-off values, a variant classified as benign is not then subjected to further curation. The score for this variant resulted in a classification of benign for this disease.

NM_014588.6(VSX1):c.*199G>A

Gene: VSX1 (visual system homeobox 1; minus strand). Cytogenetic location: 20p11.21.
Variant type: single nucleotide variant.
Coding change: c.*199G>A on transcript NM_014588.6 (MANE Select); 199 bases downstream of the stop codon, G replaced by A.
Molecular consequence: 3 prime UTR variant. On other transcripts: non-coding transcript variant (2), intron variant (2).
Genome position (GRCh38, 1-based): chr20:25,076,062, C>T on the plus strand (G>A on the coding strand, the complement: VSX1 is on the minus strand). VCF-style: chr20-25076062-C-T. GRCh37 (hg19) VCF-style: chr20-25056698-C-T.
Other names: c.*199G>A (NM_001378633.1); c.627+2767G>A (NM_001256271.2); c.808+1623G>A (NM_001256272.2).
Identifiers: ClinVar variation 337952 (VCV000337952.5), dbSNP rs145201675, ClinGen allele CA10653017.
Genomic context (GRCh38, chr20:25,076,062, plus strand): 5'-CTACAAAAGAGAATCAAAAGTTTTGCACCAAGTTAACTGGTTAAAGTGCCATTAAGGAAC[C>T]GTTTCCATTCTAGAATGAAATAGAATTTTCCCTAGGTCACTCATCTGTCCTCTTAAAGCA-3'